The following is an entry in ClinVar:

NM_000096.4(CP):c.929G>A (p.Arg310His)

Gene: CP (ceruloplasmin; minus strand). Cytogenetic location: 3q25.1.
Variant type: single nucleotide variant.
Coding change: c.929G>A on transcript NM_000096.4 (MANE Select); coding-DNA position 929, G replaced by A.
Protein change: p.Arg310His; replaces arginine 310 with histidine.
Molecular consequence: missense variant. On other transcripts: non-coding transcript variant (1).
Genome position (GRCh38, 1-based): chr3:149,207,470, C>T on the plus strand (G>A on the coding strand, the complement: CP is on the minus strand). VCF-style: chr3-149207470-C-T. GRCh37 (hg19) VCF-style: chr3-148925257-C-T.
Other names: short protein forms R310H.
Identifiers: ClinVar variation 546261 (VCV000546261.48), dbSNP rs202217551, ClinGen allele CA2661198.

ClinVar aggregate classification (germline): Conflicting classifications of pathogenicity. Review status: criteria provided, conflicting classifications (1 of 4 stars). 5 submissions from 5 submitters: Uncertain significance (4); Likely benign (1). Last evaluated 2026-09-09.

Conditions:
CP-related disorder. Also called: CP-related condition.
Deficiency of ferroxidase (ACEP). Also called: Ceruloplasmin deficiency; Familial apoceruloplasmin deficiency; Hereditary ceruloplasmin deficiency; Aceruloplasminemia; Deficiency of ceruloplasmin; NEURODEGENERATION WITH BRAIN IRON ACCUMULATION 10. Identifiers: Orphanet 48818, MedGen C0878682, MONDO:0011426, OMIM 604290, HP:0025498.

Allele frequency attached by ClinVar (database versions not stated): gnomAD 0.00010; ExAC 0.00013; 1000 Genomes Project 30x 0.00016; 1000 Genomes Project 0.00020; gnomAD exomes 0.00021; TOPMed 0.00023.
gnomAD v4.1: 162 of 1,613,960 alleles (0.01%); highest among the groups gnomAD compares: Admixed American, 0.098%; no homozygotes.

Submissions (5):

PreventionGenetics, part of Exact Sciences
Classification: Uncertain significance for CP-related condition. Last evaluated: 2026-09-09. Review status: criteria provided, single submitter. Criteria: ACMG Guidelines, 2015. Collection method: clinical testing. Allele origin: germline.
Comment: The CP c.929G>A variant is predicted to result in the amino acid substitution p.Arg310His. This variant was reported in an individual with retinal/optic nerve disease (Table S12, Diñeiro et al. 2020. PubMed ID: 32483926). This variant is reported in 0.11% of alleles in individuals of Latino descent in gnomAD. At this time, the clinical significance of this variant is uncertain due to the absence of conclusive functional and genetic evidence.

CeGaT Center for Human Genetics Tuebingen
Classification: Uncertain significance. Last evaluated: 2026-04-01. Review status: criteria provided, single submitter. Criteria: CeGaT Center For Human Genetics Tuebingen Variant Classification Criteria Version 2. Collection method: clinical testing. Allele origin: germline. Affected: yes. Observed: 2 variant alleles.
Comment: CP: PM2

Labcorp Genetics (formerly Invitae), Labcorp
Classification: Likely benign for Deficiency of ferroxidase. Last evaluated: 2026-01-18. Review status: criteria provided, single submitter. Criteria: Invitae Variant Classification Sherloc (09022015). Collection method: clinical testing. Allele origin: germline.

Fulgent Genetics
Classification: Uncertain significance for Deficiency of ferroxidase. Last evaluated: 2022-01-05. Review status: criteria provided, single submitter. Criteria: ACMG Guidelines, 2015. Collection method: clinical testing. Allele origin: unknown.

GeneDx
Classification: Uncertain significance. Last evaluated: 2018-05-31. Review status: criteria provided, single submitter. Criteria: GeneDx Variant Classification (06012015). Collection method: clinical testing. Allele origin: germline. Affected: yes.
Comment: The R310H variant in the CP gene has not been reported previously as a pathogenic variant, nor as a benign variant, to our knowledge. The R310H variant is observed in 55/276906 (0.0199%) alleles in large population cohorts, with no homozygotes observed (Lek et al., 2016). The R310H variant is a conservative amino acid substitution, which is not likely to impact secondary protein structure as these residues share similar properties. In-silico analyses, including protein predictors and evolutionary conservation, support a deleterious effect. We interpret R310H as a variant of uncertain significance.